The following is an entry in ClinVar:

NM_181486.4(TBX5):c.*673C>T

Gene: TBX5 (T-box transcription factor 5; minus strand). Cytogenetic location: 12q24.21.
Variant type: single nucleotide variant.
Coding change: c.*673C>T on transcript NM_181486.4 (MANE Select); 673 bases downstream of the stop codon, C replaced by T.
Molecular consequence: 3 prime UTR variant.
Genome position (GRCh38, 1-based): chr12:114,354,859, G>A on the plus strand (C>T on the coding strand, the complement: TBX5 is on the minus strand). VCF-style: chr12-114354859-G-A. GRCh37 (hg19) VCF-style: chr12-114792664-G-A.
Other names: c.*673C>T (NM_000192.3, NM_080717.4).
Identifiers: ClinVar variation 307289 (VCV000307289.5), dbSNP rs140532076, ClinGen allele CA10641019.

ClinVar aggregate classification (germline): Benign (1 of 4 stars; one submission).

Conditions:
Holt-Oram syndrome (HOS). Also called: Ventriculo-radial syndrome; Cardiac-limb syndrome; Heart-hand syndrome, type 1; TBX5-Related Holt-Oram Syndrome. Identifiers: Orphanet 392, MedGen C0265264, MONDO:0007732, OMIM 142900.

Allele frequency attached by ClinVar (database versions not stated): 1000 Genomes Project 30x 0.00219; 1000 Genomes Project 0.00180; gnomAD 0.00449 and 0.00448; TOPMed 0.00495; gnomAD exomes 0.00340.
gnomAD v4.1: 687 of 156,186 alleles (0.44%); highest among the groups gnomAD compares: Non-Finnish European, 0.76%; 3 homozygotes.

Submission:

Illumina Laboratory Services, Illumina
Classification: Benign for Holt-Oram syndrome. Last evaluated: 2018-01-13. Review status: criteria provided, single submitter. Criteria: ICSL Variant Classification Criteria 13 December 2019. Collection method: clinical testing. Allele origin: germline.
Comment: This variant was observed in the ICSL laboratory as part of a predisposition screen in an ostensibly healthy population. It had not been previously curated by ICSL or reported in the Human Gene Mutation Database (HGMD: prior to June 1st, 2018), and was therefore a candidate for classification through an automated scoring system. Utilizing variant allele frequency, disease prevalence and penetrance estimates, and inheritance mode, an automated score was calculated to assess if this variant is too frequent to cause the disease. Based on the score and internal cut-off values, a variant classified as benign is not then subjected to further curation. The score for this variant resulted in a classification of benign for this disease.